The following is an entry in ClinVar:

NM_001008537.3(NEXMIF):c.3524C>A (p.Ser1175Ter)

Gene: NEXMIF (neurite extension and migration factor; minus strand). Cytogenetic location: Xq13.3.
Variant type: single nucleotide variant.
Coding change: c.3524C>A on transcript NM_001008537.3 (MANE Select); coding-DNA position 3524, C replaced by A.
Protein change: p.Ser1175Ter; replaces serine 1175 with a stop codon.
Molecular consequence: nonsense.
Genome position (GRCh38, 1-based): chrX:74,741,033, G>T on the plus strand (C>A on the coding strand, the complement: NEXMIF is on the minus strand). VCF-style: chrX-74741033-G-T. GRCh37 (hg19) VCF-style: chrX-73960868-G-T.
Other names: short protein forms S1175*.
Identifiers: ClinVar variation 934184 (VCV000934184.7), dbSNP rs2080101130, ClinGen allele CA413665573.
Genomic context (GRCh38, chrX:74,741,033, plus strand): 5'-TTTTTCTGAGAAGAGCTTTGGTTCATAGCCCCACTCTTGCTGGGTGAACTTTTCTTTCTT[G>T]ATTTTGACACTTTGTTGTTGGTACTAATTTGACCAGATGGATCATTAAATGTTGACAGGC-3'

ClinVar aggregate classification (germline): Pathogenic (1 of 4 stars; one submission).

Submission:

Labcorp Genetics (formerly Invitae), Labcorp
Classification: Pathogenic. Last evaluated: 2022-03-07. Review status: criteria provided, single submitter. Criteria: Invitae Variant Classification Sherloc (09022015). Collection method: clinical testing. Allele origin: germline.
Comment: This variant is not present in population databases (gnomAD no frequency). For these reasons, this variant has been classified as Pathogenic. ClinVar contains an entry for this variant (Variation ID: 934184). This variant has not been reported in the literature in individuals affected with NEXMIF-related conditions. This sequence change creates a premature translational stop signal (p.Ser1175*) in the NEXMIF gene. It is expected to result in an absent or disrupted protein product. Loss-of-function variants in NEXMIF are known to be pathogenic (PMID: 23615299).

Literature cited by the submitters: PubMed 23615299.